The following is an entry in ClinVar:

ClinVar aggregate classification (germline): Uncertain significance (1 of 4 stars; one submission).

Submission:

GeneDx
Classification: Uncertain significance. Last evaluated: 2023-01-18. Review status: criteria provided, single submitter. Criteria: GeneDx Variant Classification Process June 2021. Collection method: clinical testing. Allele origin: germline. Affected: yes.
Comment: Not observed at significant frequency in large population cohorts (gnomAD); In silico analysis supports that this missense variant has a deleterious effect on protein structure/function; Has not been previously published as pathogenic or benign to our knowledge

NM_002430.3(MN1):c.2983C>A (p.Arg995Ser)

Gene: MN1 (MN1 proto-oncogene, transcriptional regulator; minus strand). Cytogenetic location: 22q12.1.
Variant type: single nucleotide variant.
Coding change: c.2983C>A on transcript NM_002430.3 (MANE Select); coding-DNA position 2983, C replaced by A.
Protein change: p.Arg995Ser; replaces arginine 995 with serine.
Molecular consequence: missense variant.
Genome position (GRCh38, 1-based): chr22:27,797,561, G>T on the plus strand (C>A on the coding strand, the complement: MN1 is on the minus strand). VCF-style: chr22-27797561-G-T. GRCh37 (hg19) VCF-style: chr22-28193549-G-T.
Other names: short protein forms R995S.
Identifiers: ClinVar variation 2573952 (VCV002573952.1), dbSNP rs1383826053, ClinGen allele CA411043810.